The following is an entry in ClinVar:

NM_006876.3(B4GAT1):c.699C>A (p.Ser233Arg)

Gene: B4GAT1 (beta-1,4-glucuronyltransferase 1; minus strand). Cytogenetic location: 11q13.2.
Variant type: single nucleotide variant.
Coding change: c.699C>A on transcript NM_006876.3 (MANE Select); coding-DNA position 699, C replaced by A.
Protein change: p.Ser233Arg; replaces serine 233 with arginine.
Molecular consequence: missense variant.
Genome position (GRCh38, 1-based): chr11:66,346,847, G>T on the plus strand (C>A on the coding strand, the complement: B4GAT1 is on the minus strand). VCF-style: chr11-66346847-G-T. GRCh37 (hg19) VCF-style: chr11-66114318-G-T.
Other names: short protein forms S233R.
Identifiers: ClinVar variation 852491 (VCV000852491.11), dbSNP rs768060657, ClinGen allele CA6120518.

ClinVar aggregate classification (germline): Uncertain significance (1 of 4 stars; one submission).

Conditions:
Muscular dystrophy-dystroglycanopathy (congenital with brain and eye anomalies), type A13. Also called: WALKER-WARBURG SYNDROME OR MUSCLE-EYE-BRAIN DISEASE, B3GNT1-RELATED; Muscular dystrophy-dystroglycanopathy (congenital with brain and eye anomalies), type a, 13. Identifiers: Orphanet 899, MedGen C3809042, MONDO:0014120, OMIM 615287.

Allele frequency attached by ClinVar (database versions not stated): gnomAD exomes below 0.00001; ExAC 0.00001.

Submission:

Labcorp Genetics (formerly Invitae), Labcorp
Classification: Uncertain significance for Muscular dystrophy-dystroglycanopathy (congenital with brain and eye anomalies), type A13. Last evaluated: 2022-06-13. Review status: criteria provided, single submitter. Criteria: Invitae Variant Classification Sherloc (09022015). Collection method: clinical testing. Allele origin: germline.
Comment: In summary, the available evidence is currently insufficient to determine the role of this variant in disease. Therefore, it has been classified as a Variant of Uncertain Significance. Algorithms developed to predict the effect of missense changes on protein structure and function (SIFT, PolyPhen-2, Align-GVGD) all suggest that this variant is likely to be disruptive. ClinVar contains an entry for this variant (Variation ID: 852491). This variant has not been reported in the literature in individuals affected with B4GAT1-related conditions. This variant is present in population databases (rs768060657, gnomAD 0.0009%). This sequence change replaces serine, which is neutral and polar, with arginine, which is basic and polar, at codon 233 of the B4GAT1 protein (p.Ser233Arg).